The following is an entry in ClinVar:

ClinVar aggregate classification (germline): Likely benign. Review status: criteria provided, multiple submitters, no conflicts (2 of 4 stars). 3 submissions from 3 submitters: Likely benign (2). 1 of the submissions does not count toward it. Last evaluated 2026-01-19.

Conditions:
RAI1-related disorder. Also called: RAI1-related condition.
Inborn genetic diseases. Identifiers: MedGen C0950123, MeSH D030342.

Allele frequency attached by ClinVar (database versions not stated): ExAC 0.00006; 1000 Genomes Project 30x 0.00016; gnomAD 0.00009; TOPMed 0.00006; gnomAD exomes 0.00009; 1000 Genomes Project 0.00020.
gnomAD v4.1: 78 of 1,611,468 alleles (0.0048%); highest among the groups gnomAD compares: Admixed American, 0.028%; no homozygotes.

Submissions (3):

Labcorp Genetics (formerly Invitae), Labcorp
Classification: Likely benign. Last evaluated: 2026-01-19. Review status: criteria provided, single submitter. Criteria: Invitae Variant Classification Sherloc (09022015). Collection method: clinical testing. Allele origin: germline.

Ambry Genetics
Classification: Likely benign for Inborn genetic diseases. Last evaluated: 2017-01-24. Review status: criteria provided, single submitter. Criteria: Ambry Variant Classification Scheme 2023. Collection method: clinical testing. Allele origin: germline.

PreventionGenetics, part of Exact Sciences
Classification: Likely benign for RAI1-related condition. Last evaluated: 2023-12-19. Review status: no assertion criteria provided. Collection method: clinical testing. Allele origin: germline. Not counted in ClinVar's aggregate classification.
Comment: This variant is classified as likely benign based on ACMG/AMP sequence variant interpretation guidelines (Richards et al. 2015 PMID: 25741868, with internal and published modifications).

NM_030665.4(RAI1):c.285G>A (p.Pro95=)

Gene: RAI1 (retinoic acid induced 1; plus strand). Cytogenetic location: 17p11.2.
Variant type: single nucleotide variant.
Coding change: c.285G>A on transcript NM_030665.4 (MANE Select); coding-DNA position 285, G replaced by A.
Protein change: p.Pro95=; no amino-acid change (proline 95 retained).
Molecular consequence: synonymous variant.
Genome position (GRCh38, 1-based): chr17:17,793,233, G>A. VCF-style: chr17-17793233-G-A. GRCh37 (hg19) VCF-style: chr17-17696547-G-A.
Identifiers: ClinVar variation 588707 (VCV000588707.15), dbSNP rs554745105, ClinGen allele CA8418093.